The following is an entry in ClinVar:

ClinVar aggregate classification (germline): Uncertain significance. Review status: criteria provided, multiple submitters, no conflicts (2 of 4 stars). 2 submissions from 2 submitters: Uncertain significance (2). Last evaluated 2025-04-28.

Conditions:
Inborn genetic diseases. Identifiers: MedGen C0950123, MeSH D030342.
Rafiq syndrome (RAFQS). Identifiers: Orphanet 88616, MedGen C3280127, MONDO:0013624, OMIM 614202.

Allele frequency attached by ClinVar (database versions not stated): TOPMed 0.00003; ExAC 0.00005; gnomAD exomes 0.00004 and 0.00003; gnomAD 0.00002.

Submissions (2):

Ambry Genetics
Classification: Uncertain significance for Inborn genetic diseases. Last evaluated: 2025-04-28. Review status: criteria provided, single submitter. Criteria: Ambry Variant Classification Scheme 2023. Collection method: clinical testing. Allele origin: germline.

Labcorp Genetics (formerly Invitae), Labcorp
Classification: Uncertain significance for Rafiq syndrome. Last evaluated: 2022-06-30. Review status: criteria provided, single submitter. Criteria: Invitae Variant Classification Sherloc (09022015). Collection method: clinical testing. Allele origin: germline.
Comment: This sequence change replaces phenylalanine, which is neutral and non-polar, with leucine, which is neutral and non-polar, at codon 686 of the MAN1B1 protein (p.Phe686Leu). This variant is present in population databases (rs754917525, gnomAD 0.009%). This variant has not been reported in the literature in individuals affected with MAN1B1-related conditions. ClinVar contains an entry for this variant (Variation ID: 1380922). Algorithms developed to predict the effect of missense changes on protein structure and function are either unavailable or do not agree on the potential impact of this missense change (SIFT: "Deleterious"; PolyPhen-2: "Possibly Damaging"; Align-GVGD: "Class C15"). In summary, the available evidence is currently insufficient to determine the role of this variant in disease. Therefore, it has been classified as a Variant of Uncertain Significance.

NM_016219.5(MAN1B1):c.2056T>C (p.Phe686Leu)

Gene: MAN1B1 (mannosidase alpha class 1B member 1; plus strand). Cytogenetic location: 9q34.3.
Variant type: single nucleotide variant.
Coding change: c.2056T>C on transcript NM_016219.5 (MANE Select); coding-DNA position 2056, T replaced by C.
Protein change: p.Phe686Leu; replaces phenylalanine 686 with leucine.
Molecular consequence: missense variant. On other transcripts: non-coding transcript variant (2).
Genome position (GRCh38, 1-based): chr9:137,108,547, T>C. VCF-style: chr9-137108547-T-C. GRCh37 (hg19) VCF-style: chr9-140002999-T-C.
Other names: c.2056T>C (NM_016219.3); short protein forms F686L.
Identifiers: ClinVar variation 1380922 (VCV001380922.6), dbSNP rs754917525, ClinGen allele CA5359549.